The following is an entry in ClinVar:

NM_006767.4(LZTR1):c.230A>G (p.Lys77Arg)

Gene: LZTR1 (leucine zipper like post translational regulator 1; plus strand). Cytogenetic location: 22q11.21.
Variant type: single nucleotide variant.
Coding change: c.230A>G on transcript NM_006767.4 (MANE Select); coding-DNA position 230, A replaced by G.
Protein change: p.Lys77Arg; replaces lysine 77 with arginine.
Molecular consequence: missense variant.
Genome position (GRCh38, 1-based): chr22:20,983,056, A>G. VCF-style: chr22-20983056-A-G. GRCh37 (hg19) VCF-style: chr22-21337345-A-G.
Other names: c.230A>G (NM_006767.3); short protein forms K77R.
Identifiers: ClinVar variation 3604421 (VCV003604421.2).

ClinVar aggregate classification (germline): Uncertain significance. Review status: criteria provided, multiple submitters, no conflicts (2 of 4 stars). 2 submissions from 2 submitters: Uncertain significance (2). Last evaluated 2026-07-13.

Conditions:
Hereditary cancer-predisposing syndrome. Also called: Hereditary neoplastic syndrome; Neoplastic Syndromes, Hereditary; Tumor predisposition; Hereditary Cancer Syndrome. Identifiers: Orphanet 140162, MedGen C0027672, MeSH D009386, MONDO:0015356.
Cardiovascular phenotype. Identifiers: MedGen CN230736.

Submissions (2):

Ambry Genetics
Classification: Uncertain significance for Cardiovascular phenotype; Hereditary cancer-predisposing syndrome. Last evaluated: 2026-07-13. Review status: criteria provided, single submitter. Criteria: Ambry Variant Classification Scheme 2023. Collection method: clinical testing. Allele origin: germline.
Comment: The p.K77R variant (also known as c.230A>G), located in coding exon 2 of the LZTR1 gene, results from an A to G substitution at nucleotide position 230. The lysine at codon 77 is replaced by arginine, an amino acid with highly similar properties. This amino acid position is conserved. In addition, this alteration is predicted to be tolerated by in silico analysis. Based on the available evidence, the clinical significance of this variant remains unclear.

Labcorp Genetics (formerly Invitae), Labcorp
Classification: Uncertain significance. Last evaluated: 2024-08-13. Review status: criteria provided, single submitter. Criteria: Invitae Variant Classification Sherloc (09022015). Collection method: clinical testing. Allele origin: germline.
Comment: This sequence change replaces lysine, which is basic and polar, with arginine, which is basic and polar, at codon 77 of the LZTR1 protein (p.Lys77Arg). This variant is not present in population databases (gnomAD no frequency). This variant has not been reported in the literature in individuals affected with LZTR1-related conditions. Invitae Evidence Modeling of protein sequence and biophysical properties (such as structural, functional, and spatial information, amino acid conservation, physicochemical variation, residue mobility, and thermodynamic stability) indicates that this missense variant is not expected to disrupt LZTR1 protein function with a negative predictive value of 80%. In summary, the available evidence is currently insufficient to determine the role of this variant in disease. Therefore, it has been classified as a Variant of Uncertain Significance.